The following is an entry in ClinVar:

ClinVar aggregate classification (germline): Uncertain significance. Review status: criteria provided, multiple submitters, no conflicts (2 of 4 stars). 2 submissions from 2 submitters: Uncertain significance (2). Last evaluated 2025-02-01.

Conditions:
Developmental and epileptic encephalopathy, 23 (DEE23). Also called: Epileptic encephalopathy, early infantile, 23. Identifiers: Orphanet 411986, MedGen C4014492, MONDO:0014371, OMIM 615859.

Allele frequency attached by ClinVar (database versions not stated): ExAC 0.00001; gnomAD 0.00001; ESP Exome Variant Server 0.00008.
gnomAD v4.1: 2 of 1,613,328 alleles (0.00012%); highest among the groups gnomAD compares: Non-Finnish European, 0.00017%; no homozygotes.

Submissions (2):

GeneDx
Classification: Uncertain significance. Last evaluated: 2025-02-01. Review status: criteria provided, single submitter. Criteria: GeneDx Variant Classification Process June 2021. Collection method: clinical testing. Allele origin: germline. Affected: yes.
Comment: Not observed at significant frequency in large population cohorts (gnomAD); In silico analysis supports that this missense variant has a deleterious effect on protein structure/function; Has not been previously published as pathogenic or benign to our knowledge

Labcorp Genetics (formerly Invitae), Labcorp
Classification: Uncertain significance for Developmental and epileptic encephalopathy, 23. Last evaluated: 2022-07-24. Review status: criteria provided, single submitter. Criteria: Invitae Variant Classification Sherloc (09022015). Collection method: clinical testing. Allele origin: germline.
Comment: This sequence change replaces arginine, which is basic and polar, with glycine, which is neutral and non-polar, at codon 221 of the DOCK7 protein (p.Arg221Gly). This variant is present in population databases (rs370091514, gnomAD 0.0009%). This variant has not been reported in the literature in individuals affected with DOCK7-related conditions. Algorithms developed to predict the effect of missense changes on protein structure and function (SIFT, PolyPhen-2, Align-GVGD) all suggest that this variant is likely to be tolerated. In summary, the available evidence is currently insufficient to determine the role of this variant in disease. Therefore, it has been classified as a Variant of Uncertain Significance.

NM_001367561.1(DOCK7):c.661C>G (p.Arg221Gly)

Gene: DOCK7 (dedicator of cytokinesis 7; minus strand). Cytogenetic location: 1p31.3.
Variant type: single nucleotide variant.
Coding change: c.661C>G on transcript NM_001367561.1 (MANE Select); coding-DNA position 661, C replaced by G.
Protein change: p.Arg221Gly; replaces arginine 221 with glycine.
Molecular consequence: missense variant.
Genome position (GRCh38, 1-based): chr1:62,648,177, G>C on the plus strand (C>G on the coding strand, the complement: DOCK7 is on the minus strand). VCF-style: chr1-62648177-G-C. GRCh37 (hg19) VCF-style: chr1-63113848-G-C.
Other names: c.661C>G (NM_001271999.1); c.661C>G, p.Arg221Gly (NM_001271999.2, NM_001272000.2, NM_001272001.2 and 3 more transcripts); short protein forms R221G.
Identifiers: ClinVar variation 1964900 (VCV001964900.3), dbSNP rs370091514, ClinGen allele CA887149.